The following is an entry in ClinVar:

ClinVar aggregate classification (germline): Uncertain significance (1 of 4 stars; one submission).

Conditions:
Distal hereditary motor neuropathy type 2. Identifiers: Orphanet 139525, MedGen C3711384, MeSH C580044, MONDO:0015352.

Allele frequency attached by ClinVar (database versions not stated): ESP Exome Variant Server 0.00008; TOPMed 0.00001; gnomAD exomes 0.00002 and below 0.00001.
gnomAD v4.1: 23 of 1,614,044 alleles (0.0014%); highest among the groups gnomAD compares: Non-Finnish European, 0.0019%; no homozygotes.

Submission:

Labcorp Genetics (formerly Invitae), Labcorp
Classification: Uncertain significance for Distal hereditary motor neuropathy type 2. Last evaluated: 2024-08-08. Review status: criteria provided, single submitter. Criteria: Invitae Variant Classification Sherloc (09022015). Collection method: clinical testing. Allele origin: germline.
Comment: This sequence change replaces isoleucine, which is neutral and non-polar, with valine, which is neutral and non-polar, at codon 894 of the FBXO38 protein (p.Ile894Val). This variant is present in population databases (rs373620719, gnomAD 0.0009%). This variant has not been reported in the literature in individuals affected with FBXO38-related conditions. This missense change has been observed in at least one individual who was not affected with FBXO38-related conditions (Invitae). ClinVar contains an entry for this variant (Variation ID: 567974). An algorithm developed to predict the effect of missense changes on protein structure and function (PolyPhen-2) suggests that this variant is likely to be tolerated. In summary, the available evidence is currently insufficient to determine the role of this variant in disease. Therefore, it has been classified as a Variant of Uncertain Significance.

NM_205836.3(FBXO38):c.2905A>G (p.Ile969Val)

Gene: FBXO38 (F-box protein 38; plus strand). Cytogenetic location: 5q32.
Variant type: single nucleotide variant.
Coding change: c.2905A>G on transcript NM_205836.3 (MANE Select); coding-DNA position 2905, A replaced by G.
Protein change: p.Ile969Val; replaces isoleucine 969 with valine.
Molecular consequence: missense variant.
Genome position (GRCh38, 1-based): chr5:148,438,379, A>G. VCF-style: chr5-148438379-A-G. GRCh37 (hg19) VCF-style: chr5-147817942-A-G.
Other names: c.2170A>G, p.Ile724Val (NM_001271723.2); c.2680A>G, p.Ile894Val (NM_030793.5); short protein forms I894V, I724V, I969V.
Identifiers: ClinVar variation 567974 (VCV000567974.10), dbSNP rs373620719, ClinGen allele CA128955549.